The following is an entry in ClinVar:

ClinVar aggregate classification (germline): Conflicting classifications of pathogenicity. Review status: criteria provided, conflicting classifications (1 of 4 stars). 3 submissions from 3 submitters: Pathogenic (1); Likely pathogenic (1); Uncertain significance (1). Last evaluated 2024-01-01.

Conditions:
Wilson disease (WND). Also called: Wilson's disease. Identifiers: Orphanet 905, MedGen C0019202, MONDO:0010200, OMIM 277900. Disease mechanism: loss of function.

Submissions (3):

Chongqing Key Laboratory of Child Rare Diseases in Infection and Immunity, Children’s Hospital of Chongqing Medical University
Classification: Uncertain significance for Wilson disease. Last evaluated: 2024-01-01. Review status: criteria provided, single submitter. Criteria: ACMG Guidelines, 2015. Collection method: clinical testing. Allele origin: germline. Inheritance: Autosomal recessive inheritance. Affected: yes.
Comment: Classified as Uncertain significance according to the ACMG/AMP 2015 guidelines (PMID:25741868). The classification was based on the available submitted evidence for Wilson disease (OMIM:277900), including clinical-testing observations, variant consequence/protein annotation, and published or ClinVar evidence where available. Supporting information considered: variant annotation: p.Gly1030Asp; Missense; Protein domain: P-domain-enriched; submitted notation: NM_000053.4:c.3089G>A (p.Gly1030Asp); source variant type: Missense; source domain: P-domain-enriched; allele count n=230: 1.

Labcorp Genetics (formerly Invitae), Labcorp
Classification: Pathogenic for Wilson disease. Last evaluated: 2023-06-04. Review status: criteria provided, single submitter. Criteria: Invitae Variant Classification Sherloc (09022015). Collection method: clinical testing. Allele origin: germline.
Comment: This variant is not present in population databases (gnomAD no frequency). This sequence change replaces glycine, which is neutral and non-polar, with aspartic acid, which is acidic and polar, at codon 1030 of the ATP7B protein (p.Gly1030Asp). This missense change has been observed in individual(s) with Wilson disease (PMID: 23551039, 30655162, 31172689, 34240825, 34324271). For these reasons, this variant has been classified as Pathogenic. This variant disrupts the p.Gly1030 amino acid residue in ATP7B. Other variant(s) that disrupt this residue have been determined to be pathogenic (PMID: 19596473, 26799313). This suggests that this residue is clinically significant, and that variants that disrupt this residue are likely to be disease-causing. Algorithms developed to predict the effect of sequence changes on RNA splicing suggest that this variant may create or strengthen a splice site. Advanced modeling of protein sequence and biophysical properties (such as structural, functional, and spatial information, amino acid conservation, physicochemical variation, residue mobility, and thermodynamic stability) performed at Invitae indicates that this missense variant is expected to disrupt ATP7B protein function. ClinVar contains an entry for this variant (Variation ID: 1163544).

Mayo Clinic Laboratories, Mayo Clinic
Classification: Likely pathogenic. Last evaluated: 2020-06-05. Review status: criteria provided, single submitter. Criteria: ACMG Guidelines, 2015. Collection method: clinical testing. Allele origin: germline. Observed: 1 variant allele.
Comment: PS4_moderate, PM1, PP4, PP3

Literature cited by the submitters: PubMed 23551039 (cited by Labcorp Genetics (formerly Invitae), Labcorp and Mayo Clinic Laboratories, Mayo Clinic); PubMed 30655162 (cited by Labcorp Genetics (formerly Invitae), Labcorp and Mayo Clinic Laboratories, Mayo Clinic); PubMed 31172689 (cited by Labcorp Genetics (formerly Invitae), Labcorp and Mayo Clinic Laboratories, Mayo Clinic); PubMed 34240825 (cited by Labcorp Genetics (formerly Invitae), Labcorp); PubMed 34324271 (cited by Labcorp Genetics (formerly Invitae), Labcorp); PubMed 19596473 (cited by Labcorp Genetics (formerly Invitae), Labcorp); PubMed 26799313 (cited by Labcorp Genetics (formerly Invitae), Labcorp); PubMed 27022412 (cited by Mayo Clinic Laboratories, Mayo Clinic); PubMed 27982432 (cited by Mayo Clinic Laboratories, Mayo Clinic).

NM_000053.4(ATP7B):c.3089G>A (p.Gly1030Asp)

Gene: ATP7B (ATPase copper transporting beta; minus strand). Cytogenetic location: 13q14.3.
Variant type: single nucleotide variant.
Coding change: c.3089G>A on transcript NM_000053.4 (MANE Select); coding-DNA position 3089, G replaced by A.
Protein change: p.Gly1030Asp; replaces glycine 1030 with aspartic acid.
Molecular consequence: missense variant.
Genome position (GRCh38, 1-based): chr13:51,944,263, C>T on the plus strand (G>A on the coding strand, the complement: ATP7B is on the minus strand). VCF-style: chr13-51944263-C-T. GRCh37 (hg19) VCF-style: chr13-52518399-C-T.
Other names: c.2468G>A, p.Gly823Asp (NM_001005918.3); c.2756G>A, p.Gly919Asp (NM_001243182.2); c.2855G>A, p.Gly952Asp (NM_001330578.2); c.2837G>A, p.Gly946Asp (NM_001330579.2); short protein forms G1030D, G823D, G919D, G946D, G952D.
Identifiers: ClinVar variation 1163544 (VCV001163544.9), dbSNP rs2138958110, ClinGen allele CA388030529.